The following is an entry in ClinVar:

ClinVar aggregate classification (germline): Uncertain significance. Review status: criteria provided, multiple submitters, no conflicts (2 of 4 stars). 2 submissions from 2 submitters: Uncertain significance (2). Last evaluated 2022-10-11.

Conditions:
Neuropathy, hereditary sensory and autonomic, type 2A (HSAN2A). Also called: MORVAN DISEASE; NEUROPATHY, CONGENITAL SENSORY; NEUROPATHY, HEREDITARY SENSORY RADICULAR, AUTOSOMAL RECESSIVE; NEUROPATHY, HEREDITARY SENSORY, TYPE IIA; NEUROPATHY, PROGRESSIVE SENSORY, OF CHILDREN; WNK1-Related HSAN2 (HSAN2A). Identifiers: Orphanet 970, MedGen C2752089, MONDO:0024309, OMIM 201300.
Pseudohypoaldosteronism type 2C (PHA2C). Also called: Pseudohypoaldosteronism Type IIC. Identifiers: Orphanet 757, Orphanet 88940, MedGen C1840391, MONDO:0013778, OMIM 614492.

Allele frequency attached by ClinVar (database versions not stated): gnomAD exomes below 0.00001 and 0.00001; gnomAD 0.00001; TOPMed 0.00001.
gnomAD v4.1: 6 of 1,613,600 alleles (0.00037%); highest among the groups gnomAD compares: African/African-American, 0.0027%; no homozygotes.

Submissions (2):

Labcorp Genetics (formerly Invitae), Labcorp
Classification: Uncertain significance for Neuropathy, hereditary sensory and autonomic, type 2A; Pseudohypoaldosteronism type 2C. Last evaluated: 2022-10-11. Review status: criteria provided, single submitter. Criteria: Invitae Variant Classification Sherloc (09022015). Collection method: clinical testing. Allele origin: germline.
Comment: In summary, the available evidence is currently insufficient to determine the role of this variant in disease. Therefore, it has been classified as a Variant of Uncertain Significance. Advanced modeling of protein sequence and biophysical properties (such as structural, functional, and spatial information, amino acid conservation, physicochemical variation, residue mobility, and thermodynamic stability) performed at Invitae indicates that this missense variant is not expected to disrupt WNK1 protein function. ClinVar contains an entry for this variant (Variation ID: 1037559). This variant has not been reported in the literature in individuals affected with WNK1-related conditions. This variant is present in population databases (no rsID available, gnomAD 0.007%). This sequence change replaces threonine, which is neutral and polar, with isoleucine, which is neutral and non-polar, at codon 1192 of the WNK1 protein (p.Thr1192Ile).

ARUP Laboratories, Molecular Genetics and Genomics, ARUP Laboratories
Classification: Uncertain significance. Last evaluated: 2022-04-18. Review status: criteria provided, single submitter. Criteria: ARUP Molecular Germline Variant Investigation Process 2021. Collection method: clinical testing. Allele origin: germline.
Comment: The WNK1 c.3320C>T; p.Thr1107Ile variant (rs1217942716), to our knowledge, is not reported in the medical literature but is reported in ClinVar (Variation ID: 1037559). This variant is only observed on one allele in the Genome Aggregation Database, indicating it is not a common polymorphism. The Threonine at codon 1107 is moderately conserved, and computational analyses predict that this variant is neutral (REVEL: 0.126). However, given the lack of clinical and functional data, the significance of the p.Thr1107Ile variant is uncertain at this time.

NM_213655.5(WNK1):c.3575C>T (p.Thr1192Ile)

Gene: WNK1 (WNK lysine deficient protein kinase 1; plus strand). Cytogenetic location: 12p13.33.
Variant type: single nucleotide variant.
Coding change: c.3575C>T on transcript NM_213655.5 (MANE Plus Clinical); coding-DNA position 3575, C replaced by T.
Protein change: p.Thr1192Ile; replaces threonine 1192 with isoleucine.
Molecular consequence: missense variant. On other transcripts: intron variant (2).
Genome position (GRCh38, 1-based): chr12:869,046, C>T. VCF-style: chr12-869046-C-T. GRCh37 (hg19) VCF-style: chr12-978212-C-T.
Other names: c.3320C>T, p.Thr1107Ile (NM_001184985.2); c.2140-2219C>T (NM_018979.4, NM_014823.3); short protein forms T1107I, T1192I.
Identifiers: ClinVar variation 1037559 (VCV001037559.11), dbSNP rs1217942716, ClinGen allele CA383342397.